The following is an entry in ClinVar:

ClinVar aggregate classification (germline): Uncertain significance (1 of 4 stars; one submission).

Conditions:
VCAN-related disorder. Also called: VCAN-related condition.

gnomAD v4.1: 1 of 1,614,028 alleles (0.000062%); highest among the groups gnomAD compares: Non-Finnish European, 0.000085%; no homozygotes.

Submission:

PreventionGenetics, part of Exact Sciences
Classification: Uncertain significance for VCAN-related condition. Last evaluated: 2022-10-27. Review status: criteria provided, single submitter. Criteria: ACMG Guidelines, 2015. Collection method: clinical testing. Allele origin: germline.
Comment: The VCAN c.1874G>C variant is predicted to result in the amino acid substitution p.Arg625Thr. To our knowledge, this variant has not been reported in the literature or in a large population database, indicating this variant is rare. At this time, the clinical significance of this variant is uncertain due to the absence of conclusive functional and genetic evidence.

NM_004385.5(VCAN):c.1874G>C (p.Arg625Thr)

Gene: VCAN (versican; plus strand). Cytogenetic location: 5q14.3.
Variant type: single nucleotide variant.
Coding change: c.1874G>C on transcript NM_004385.5 (MANE Select); coding-DNA position 1874, G replaced by C.
Protein change: p.Arg625Thr; replaces arginine 625 with threonine.
Molecular consequence: missense variant. On other transcripts: intron variant (2).
Genome position (GRCh38, 1-based): chr5:83,520,180, G>C. VCF-style: chr5-83520180-G-C. GRCh37 (hg19) VCF-style: chr5-82815999-G-C.
Other names: c.1874G>C, p.Arg625Thr (NM_001164098.2); c.1042+7784G>C (NM_001164097.2, NM_001126336.3); short protein forms R625T.
Identifiers: ClinVar variation 2635339 (VCV002635339.1), dbSNP rs779485029, ClinGen allele CA360302057.